The following is an entry in ClinVar:

NM_000391.4(TPP1):c.857A>G (p.Asn286Ser)

Gene: TPP1 (tripeptidyl peptidase 1; minus strand). Cytogenetic location: 11p15.4.
Variant type: single nucleotide variant.
Coding change: c.857A>G on transcript NM_000391.4 (MANE Select); coding-DNA position 857, A replaced by G.
Protein change: p.Asn286Ser; replaces asparagine 286 with serine.
Molecular consequence: missense variant.
Genome position (GRCh38, 1-based): chr11:6,616,690, T>C on the plus strand (A>G on the coding strand, the complement: TPP1 is on the minus strand). VCF-style: chr11-6616690-T-C. GRCh37 (hg19) VCF-style: chr11-6637921-T-C.
Other names: short protein forms N286S.
Identifiers: ClinVar variation 2648 (VCV000002648.12), dbSNP rs119455958, ClinGen allele CA252381.

ClinVar aggregate classification (germline): Pathogenic/Likely pathogenic. Review status: criteria provided, multiple submitters, no conflicts (2 of 4 stars). 7 submissions from 7 submitters: Pathogenic (3); Likely pathogenic (1). 3 of the submissions do not count toward it. Last evaluated 2025-12-16.

Conditions:
TPP1-related disorder. Also called: TPP1-related condition.
Neuronal ceroid lipofuscinosis. Also called: Neuronal Ceroid Lipofuscinoses. Identifiers: Orphanet 216, Orphanet 79263, MedGen C0027877, MONDO:0016295. Disease mechanism: loss of function.
Neuronal ceroid lipofuscinosis 2. Also called: JANSKY-BIELSCHOWSKY DISEASE NEURONAL CEROID LIPOFUSCINOSIS, LATE INFANTILE; TPP1-Related Neuronal Ceroid-Lipofuscinosis. Identifiers: Orphanet 168491, Orphanet 228349, Orphanet 79264, MedGen C1876161, MONDO:0008769, OMIM 204500.

Allele frequency attached by ClinVar (database versions not stated): gnomAD exomes below 0.00001; TOPMed 0.00001.

Submissions (7):

Women's Health and Genetics/Laboratory Corporation of America, LabCorp
Classification: Pathogenic for Neuronal ceroid lipofuscinosis. Last evaluated: 2025-12-16. Review status: criteria provided, single submitter. Criteria: LabCorp Variant Classification Summary - May 2015. Collection method: clinical testing. Allele origin: germline.
Comment: Variant summary: TPP1 c.857A>G (p.Asn286Ser) results in a conservative amino acid change in the encoded protein sequence. Algorithms developed to predict the effect of missense changes on protein structure and function are either unavailable or do not agree on the potential impact of this missense change. The variant allele was found at a frequency of 4e-06 in 251458 control chromosomes (gnomAD). c.857A>G has been observed in individuals affected with Neuronal Ceroid-Lipofuscinosis (Batten Disease) (Steinfeld_2002, Sheth_2018). These data indicate that the variant is likely to be associated with disease. At least one publication reports experimental evidence evaluating an impact on protein function. The most pronounced variant effect results in <10% of normal activity (Walus_2010). The following publications have been ascertained in the context of this evaluation (PMID: 30541466, 12376936, 20340139). ClinVar contains an entry for this variant (Variation ID: 2648). Based on the evidence outlined above, the variant was classified as pathogenic.

Natera, Inc.
Classification: Likely pathogenic for Neuronal ceroid lipofuscinosis 2. Last evaluated: 2025-06-23. Review status: criteria provided, single submitter. Criteria: Natera Variant Classification Schema (03/2026). Collection method: clinical testing. Allele origin: germline.
Comment: The c.857A>G variant in TPP1 is a missense variant predicted to cause substitution of asparagine to serine at amino acid 286. This variant is rare in the general population with a frequency below the threshold expected for the associated phenotype(s). This variant has been observed in one or more individuals affected with the associated recessive disease, as either homozygous or compound heterozygous with a second variant (PMID: 12376936, 30541466). Functional studies show that this variant may disrupt protein function (PMID: 20340139). Given the available evidence, this variant is classified as Likely Pathogenic.

Labcorp Genetics (formerly Invitae), Labcorp
Classification: Pathogenic. Last evaluated: 2023-08-04. Review status: criteria provided, single submitter. Criteria: Invitae Variant Classification Sherloc (09022015). Collection method: clinical testing. Allele origin: germline.
Comment: For these reasons, this variant has been classified as Pathogenic. Experimental studies have shown that this missense change affects TPP1 function (PMID: 14736728, 15317752, 20340139). Advanced modeling of protein sequence and biophysical properties (such as structural, functional, and spatial information, amino acid conservation, physicochemical variation, residue mobility, and thermodynamic stability) performed at Invitae indicates that this missense variant is expected to disrupt TPP1 protein function. ClinVar contains an entry for this variant (Variation ID: 2648). This missense change has been observed in individual(s) with neuronal ceroid lipofuscinosis (PMID: 12376936, 30541466). This variant is present in population databases (rs119455958, gnomAD 0.0009%). This sequence change replaces asparagine, which is neutral and polar, with serine, which is neutral and polar, at codon 286 of the TPP1 protein (p.Asn286Ser).

Blueprint Genetics
Classification: Pathogenic for TPP1-related disorders. Last evaluated: 2021-05-31. Review status: criteria provided, single submitter. Criteria: ACMG Guidelines, 2015. Collection method: clinical testing. Allele origin: germline. Affected: yes. Observed: 2 variant alleles.

Counsyl
Classification: Likely pathogenic for Neuronal ceroid lipofuscinosis 2. Last evaluated: 2017-05-15. Review status: no assertion criteria provided. Collection method: clinical testing. Allele origin: unknown. Not counted in ClinVar's aggregate classification.

OMIM
Classification: Pathogenic for CEROID LIPOFUSCINOSIS, NEURONAL, 2. Last evaluated: 2004-04-01. Review status: no assertion criteria provided. Collection method: literature only. Allele origin: germline. Not counted in ClinVar's aggregate classification.

UniProtKB/Swiss-Prot
No classification provided. Condition: Ceroid lipofuscinosis, neuronal, 2. Review status: no classification provided. Collection method: not provided. Allele origin: not provided. Not counted in ClinVar's aggregate classification.

Literature cited by the submitters: PubMed 20340139 (cited by 4 submitters); PubMed 30541466 (cited by 3 submitters); PubMed 12376936 (cited by 5 submitters); PubMed 14736728 (cited by 3 submitters); PubMed 15317752 (cited by Labcorp Genetics (formerly Invitae), Labcorp and Counsyl); PubMed 22221116 (cited by Counsyl).